The following is an entry in ClinVar:

NM_000553.6(WRN):c.2448+3A>G

Gene: WRN (WRN RecQ like helicase; plus strand). Cytogenetic location: 8p12.
Variant type: single nucleotide variant.
Coding change: c.2448+3A>G on transcript NM_000553.6 (MANE Select); 3 bases into the intron after coding-DNA position 2448, A replaced by G.
Molecular consequence: intron variant.
Genome position (GRCh38, 1-based): chr8:31,116,531, A>G. VCF-style: chr8-31116531-A-G. GRCh37 (hg19) VCF-style: chr8-30974047-A-G.
Identifiers: ClinVar variation 1370209 (VCV001370209.6), dbSNP rs2130306375, ClinGen allele CA2573142663.

ClinVar aggregate classification (germline): Uncertain significance (1 of 4 stars; one submission).

Conditions:
Werner syndrome (WRN). Identifiers: Orphanet 902, MedGen C0043119, MONDO:0010196, OMIM 277700.

Allele frequency attached by ClinVar (database versions not stated): gnomAD exomes below 0.00001.
gnomAD v4.1: 2 of 1,613,662 alleles (0.00012%); highest among the groups gnomAD compares: Non-Finnish European, 0.00017%; no homozygotes.

Submission:

Labcorp Genetics (formerly Invitae), Labcorp
Classification: Uncertain significance for Werner syndrome. Last evaluated: 2023-01-06. Review status: criteria provided, single submitter. Criteria: Invitae Variant Classification Sherloc (09022015). Collection method: clinical testing. Allele origin: germline.
Comment: In summary, the available evidence is currently insufficient to determine the role of this variant in disease. Therefore, it has been classified as a Variant of Uncertain Significance. Variants that disrupt the consensus splice site are a relatively common cause of aberrant splicing (PMID: 17576681, 9536098). Studies have shown that this variant results in skipping of exon 20 and introduces a premature termination codon (Invitae). The resulting mRNA is expected to undergo nonsense-mediated decay. ClinVar contains an entry for this variant (Variation ID: 1370209). This variant has not been reported in the literature in individuals affected with WRN-related conditions. This variant is not present in population databases (gnomAD no frequency). This sequence change falls in intron 20 of the WRN gene. It does not directly change the encoded amino acid sequence of the WRN protein. RNA analysis indicates that this variant induces altered splicing and may result in an absent or disrupted protein product.

Literature cited by the submitters: PubMed 17576681; PubMed 9536098.